The following is an entry in ClinVar:

ClinVar aggregate classification (germline): Uncertain significance (1 of 4 stars; one submission).

Conditions:
Primary ciliary dyskinesia. Also called: Ciliary dyskinesia. Identifiers: Orphanet 244, MedGen C0008780, MONDO:0016575, HP:0012265.

Allele frequency attached by ClinVar (database versions not stated): gnomAD exomes below 0.00001 and 0.00001.
gnomAD v4.1: 9 of 1,614,036 alleles (0.00056%); highest among the groups gnomAD compares: Non-Finnish European, 0.00076%; no homozygotes.

Submission:

Labcorp Genetics (formerly Invitae), Labcorp
Classification: Uncertain significance for Primary ciliary dyskinesia. Last evaluated: 2022-09-01. Review status: criteria provided, single submitter. Criteria: Invitae Variant Classification Sherloc (09022015). Collection method: clinical testing. Allele origin: germline.
Comment: This variant has not been reported in the literature in individuals affected with DNAH8-related conditions. In summary, the available evidence is currently insufficient to determine the role of this variant in disease. Therefore, it has been classified as a Variant of Uncertain Significance. Algorithms developed to predict the effect of missense changes on protein structure and function are either unavailable or do not agree on the potential impact of this missense change (SIFT: "Tolerated"; PolyPhen-2: "Not Available"; Align-GVGD: "Class C0"). ClinVar contains an entry for this variant (Variation ID: 1493499). This variant is present in population databases (no rsID available, gnomAD 0.0009%). This sequence change replaces isoleucine, which is neutral and non-polar, with methionine, which is neutral and non-polar, at codon 223 of the DNAH8 protein (p.Ile223Met).

NM_001206927.2(DNAH8):c.669A>G (p.Ile223Met)

Gene: DNAH8 (dynein axonemal heavy chain 8; plus strand). Cytogenetic location: 6p21.2.
Variant type: single nucleotide variant.
Coding change: c.669A>G on transcript NM_001206927.2 (MANE Select); coding-DNA position 669, A replaced by G.
Protein change: p.Ile223Met; replaces isoleucine 223 with methionine.
Molecular consequence: missense variant.
Genome position (GRCh38, 1-based): chr6:38,734,532, A>G. VCF-style: chr6-38734532-A-G. GRCh37 (hg19) VCF-style: chr6-38702308-A-G.
Other names: c.18A>G, p.Ile6Met (NM_001371.4); short protein forms I6M, I223M.
Identifiers: ClinVar variation 1493499 (VCV001493499.5), dbSNP rs1249365541, ClinGen allele CA363985950.